The following is an entry in ClinVar:

NM_173660.5(DOK7):c.437C>T (p.Pro146Leu)

Gene: DOK7 (docking protein 7; plus strand). Cytogenetic location: 4p16.3.
Variant type: single nucleotide variant.
Coding change: c.437C>T on transcript NM_173660.5 (MANE Select); coding-DNA position 437, C replaced by T.
Protein change: p.Pro146Leu; replaces proline 146 with leucine.
Molecular consequence: missense variant. On other transcripts: intron variant (1).
Genome position (GRCh38, 1-based): chr4:3,476,447, C>T. VCF-style: chr4-3476447-C-T. GRCh37 (hg19) VCF-style: chr4-3478174-C-T.
Other names: c.437C>T, p.Pro146Leu (NM_001164673.2, NM_001301071.2); c.101-9092C>T (NM_001363811.2); short protein forms P146L.
Identifiers: ClinVar variation 560990 (VCV000560990.17), dbSNP rs770987150, ClinGen allele CA2828996.
Genomic context (GRCh38, chr4:3,476,447, plus strand): 5'-GCGGCCCGGCTACCCTGCACCTCTGCAATGATGTCCTCGTCTTGGCCAGGGACATCCCCC[C>T]GGCTGTCACGGGGCAGTGGAAGCTGTCTGACCTCCGGCGCTACGGGGCCGTGCCAAGCGG-3'
Protein context (NP_775931.3, residues 136-156): DVLVLARDIP[Pro146Leu]AVTGQWKLSD

ClinVar aggregate classification (germline): Conflicting classifications of pathogenicity. Review status: criteria provided, conflicting classifications (1 of 4 stars). 6 submissions from 4 submitters: Pathogenic (3); Likely pathogenic (1); Uncertain significance (1). 1 of the submissions does not count toward it. Last evaluated 2026-01-20.

Conditions:
Congenital myasthenic syndrome (CMS). Also called: Congenital Myasthenic Syndromes. Identifiers: Orphanet 590, MedGen C0751882, MeSH D020294, MONDO:0018940.
Fetal akinesia deformation sequence 3. Identifiers: MedGen C4760599, MONDO:0100103, OMIM 618389.
Congenital myasthenic syndrome 10. Also called: Myasthenia, limb-girdle, familial. Identifiers: Orphanet 590, MedGen C1850792, MONDO:0009690, OMIM 254300.
Fetal akinesia deformation sequence 1 (FADS1). Also called: Pena-Shokeir syndrome type I; Fetal akinesia sequence. Identifiers: Orphanet 994, MedGen C1276035, MONDO:0100101, OMIM 208150, HP:0001989.

Allele frequency attached by ClinVar (database versions not stated): gnomAD 0.00002 and 0.00003; gnomAD exomes 0.00002; TOPMed 0.00002; ExAC 0.00003.
gnomAD v4.1: 33 of 1,613,668 alleles (0.002%); highest among the groups gnomAD compares: East Asian, 0.0067%; no homozygotes.

Submissions (6):

Labcorp Genetics (formerly Invitae), Labcorp
Classification: Pathogenic for Congenital myasthenic syndrome 10; Fetal akinesia deformation sequence 1. Last evaluated: 2026-01-20. Review status: criteria provided, single submitter. Criteria: Invitae Variant Classification Sherloc (09022015). Collection method: clinical testing. Allele origin: germline.
Comment: This sequence change replaces proline, which is neutral and non-polar, with leucine, which is neutral and non-polar, at codon 146 of the DOK7 protein (p.Pro146Leu). This variant is present in population databases (rs770987150, gnomAD 0.02%). This missense change has been observed in individuals with congenital myasthenic syndrome (PMID: 20012313, 30266093; internal data). ClinVar contains an entry for this variant (Variation ID: 560990). Invitae Evidence Modeling of protein sequence and biophysical properties (such as structural, functional, and spatial information, amino acid conservation, physicochemical variation, residue mobility, and thermodynamic stability) indicates that this missense variant is expected to disrupt DOK7 protein function with a positive predictive value of 80%. For these reasons, this variant has been classified as Pathogenic.

Women's Health and Genetics/Laboratory Corporation of America, LabCorp
Classification: Pathogenic for Congenital myasthenic syndrome. Last evaluated: 2024-11-15. Review status: criteria provided, single submitter. Criteria: LabCorp Variant Classification Summary - May 2015. Collection method: clinical testing. Allele origin: germline.
Comment: Variant summary: DOK7 c.437C>T (p.Pro146Leu) results in a non-conservative amino acid change located in the Pleckstrin-homology domain (PH domain)/Phosphotyrosine-binding domain (PTB) (IPR011993) of the encoded protein sequence. Five of five in-silico tools predict a damaging effect of the variant on protein function. The variant allele was found at a frequency of 2.4e-05 in 250728 control chromosomes. c.437C>T has been reported in the literature in multiple compound heterozygous individuals affected with Congenital Myasthenic Syndrome or with fetal structural anomalies consistent with this phenotype (e.g. Ammar_2010, Normand_2018, Polavapu_2024, Labcorp (formerly Invitae)) . These data indicate that the variant is very likely to be associated with disease. To our knowledge, no experimental evidence demonstrating an impact on protein function has been reported. The following publications have been ascertained in the context of this evaluation (PMID: 20012313, 30266093, 37721175). ClinVar contains an entry for this variant (Variation ID: 560990). Based on the evidence outlined above, the variant was classified as pathogenic.

Blueprint Genetics
Classification: Uncertain significance. Last evaluated: 2024-05-31. Review status: criteria provided, single submitter. Criteria: ACMG Guidelines, 2015. Collection method: clinical testing. Allele origin: germline.

Baylor Genetics
Classification: Likely pathogenic for Fetal akinesia deformation sequence 3. Last evaluated: 2024-03-01. Review status: criteria provided, single submitter. Criteria: ACMG Guidelines, 2015. Collection method: clinical testing. Allele origin: unknown.

Baylor Genetics
Classification: Pathogenic for Fetal akinesia deformation sequence 1. Last evaluated: 2017-09-01. Review status: criteria provided, single submitter. Criteria: ACMG Guidelines, 2015. Collection method: clinical testing. Allele origin: maternal. Inheritance: Autosomal recessive inheritance. Affected: yes.

Baylor Genetics
Classification: Likely pathogenic for Congenital myasthenic syndrome 10. Review status: no assertion criteria provided. Collection method: clinical testing. Allele origin: unknown. Not counted in ClinVar's aggregate classification.

Literature cited by the submitters: PubMed 20012313 (cited by 3 submitters); PubMed 30266093 (cited by 3 submitters); PubMed 37721175 (cited by Women's Health and Genetics/Laboratory Corporation of America, LabCorp); PubMed 25326635 (cited by Baylor Genetics).